The following is an entry in ClinVar:

NM_005045.4(RELN):c.698C>T (p.Ala233Val)

Gene: RELN (reelin; minus strand). Cytogenetic location: 7q22.1.
Variant type: single nucleotide variant.
Coding change: c.698C>T on transcript NM_005045.4 (MANE Select); coding-DNA position 698, C replaced by T.
Protein change: p.Ala233Val; replaces alanine 233 with valine.
Molecular consequence: missense variant.
Genome position (GRCh38, 1-based): chr7:103,728,166, G>A on the plus strand (C>T on the coding strand, the complement: RELN is on the minus strand). VCF-style: chr7-103728166-G-A. GRCh37 (hg19) VCF-style: chr7-103368613-G-A.
Other names: c.698C>T, p.Ala233Val (NM_173054.3); short protein forms A233V.
Identifiers: ClinVar variation 1061779 (VCV001061779.9), dbSNP rs371936391, ClinGen allele CA163887014.
Genomic context (GRCh38, chr7:103,728,166, plus strand): 5'-CTTACCAGTTCTCGTGGGCCATATGGTTCACAGAAGGTGACGGCATTGCCATGCATAATC[G>A]CGCCACACTGTTCTCCAGTCTCACAGTTGTTACATTCAACCCTGCAGGAAAACAGAACAC-3'
Protein context (NP_005036.2, residues 223-243): NNCETGEQCG[Ala233Val]IMHGNAVTFC

ClinVar aggregate classification (germline): Uncertain significance (1 of 4 stars; one submission).

Conditions:
Familial temporal lobe epilepsy 7. Identifiers: Orphanet 101046, MedGen C4225327, MONDO:0014639, OMIM 616436.
Norman-Roberts syndrome (LIS2). Also called: Lissencephaly 2 (Norman-Roberts type). Identifiers: Orphanet 89844, MedGen C0796089, MONDO:0009760, OMIM 257320.

Allele frequency attached by ClinVar (database versions not stated): gnomAD exomes below 0.00001; gnomAD 0.00005; TOPMed 0.00005; ESP Exome Variant Server 0.00008.
gnomAD v4.1: 24 of 1,613,630 alleles (0.0015%); highest among the groups gnomAD compares: African/African-American, 0.0067%; no homozygotes.

Submission:

Labcorp Genetics (formerly Invitae), Labcorp
Classification: Uncertain significance for Familial temporal lobe epilepsy 7; Norman-Roberts syndrome. Last evaluated: 2025-11-06. Review status: criteria provided, single submitter. Criteria: Invitae Variant Classification Sherloc (09022015). Collection method: clinical testing. Allele origin: germline.
Comment: This sequence change replaces alanine, which is neutral and non-polar, with valine, which is neutral and non-polar, at codon 233 of the RELN protein (p.Ala233Val). The frequency data for this variant in the population databases is considered unreliable, as metrics indicate poor data quality at this position in the gnomAD database. This variant has not been reported in the literature in individuals affected with RELN-related conditions. ClinVar contains an entry for this variant (Variation ID: 1061779). Invitae Evidence Modeling of protein sequence and biophysical properties (such as structural, functional, and spatial information, amino acid conservation, physicochemical variation, residue mobility, and thermodynamic stability) indicates that this missense variant is not expected to disrupt RELN protein function with a negative predictive value of 80%. In summary, the available evidence is currently insufficient to determine the role of this variant in disease. Therefore, it has been classified as a Variant of Uncertain Significance.